The following is an entry in ClinVar:

NC_000001.11:g.(?_161340584)_(161362518_?)dup

Gene: SDHC (succinate dehydrogenase complex subunit C; plus strand). Cytogenetic location: 1q23.3.
Variant type: Duplication.
Identifiers: ClinVar variation 831154 (VCV000831154.2).

ClinVar aggregate classification (germline): Uncertain significance (1 of 4 stars; one submission).

Conditions:
Pheochromocytoma/paraganglioma syndrome 3. Also called: GLOMUS TUMORS, FAMILIAL, 3; Paragangliomas 3; SDHC-Related Hereditary Paraganglioma-Pheochromocytoma Syndrome (Paragangliomas 3); SDHC-Related Hereditary Paraganglioma-Pheochromocytoma Syndrome. Identifiers: Orphanet 29072, MedGen C1854336, MONDO:0011544, OMIM 605373.
Gastrointestinal stromal tumor. Also called: Gastrointestinal stromal tumor, somatic; Gastrointestinal stroma tumor. Identifiers: Orphanet 44890, MedGen C0238198, MeSH D046152, MONDO:0011719, OMIM 606764, HP:0100723.

Submission:

Labcorp Genetics (formerly Invitae), Labcorp
Classification: Uncertain significance for Pheochromocytoma/paraganglioma syndrome 3; Gastrointestinal stromal tumor. Last evaluated: 2022-10-19. Review status: criteria provided, single submitter. Criteria: Invitae Variant Classification Sherloc (09022015). Collection method: clinical testing. Allele origin: germline.
Comment: This variant results in a copy number gain of the genomic region encompassing exon(s) 4-6 of the SDHC gene. This region includes the termination codon of the gene. This copy number gain extends beyond the assayed region for this gene and therefore may encompass additional genes. As the precise location of this event is unknown, it may be in tandem or it may be located elsewhere in the genome. This variant has not been reported in the literature in individuals affected with SDHC-related conditions. Experimental studies and prediction algorithms are not available or were not evaluated, and the functional significance of this variant is currently unknown. In summary, the available evidence is currently insufficient to determine the role of this variant in disease. Therefore, it has been classified as a Variant of Uncertain Significance.